The following is an entry in ClinVar:

ClinVar aggregate classification (germline): Conflicting classifications of pathogenicity. Review status: criteria provided, conflicting classifications (1 of 4 stars). 3 submissions from 3 submitters: Uncertain significance (1); Likely benign (2). Last evaluated 2022-05-12.

Conditions:
Autosomal recessive limb-girdle muscular dystrophy type 2J (LGMDR10). Also called: Limb-girdle muscular dystrophy, type 2J; MUSCULAR DYSTROPHY, LIMB-GIRDLE, AUTOSOMAL RECESSIVE 10. Identifiers: Orphanet 140922, MedGen C1837342, MONDO:0012127, OMIM 608807.
Dilated cardiomyopathy 1G (CMD1G). Identifiers: Orphanet 154, MedGen C1858763, MONDO:0011400, OMIM 604145.
Cardiomyopathy (CMYO). Also called: Cardiomyopathies. Identifiers: Orphanet 167848, MedGen C0878544, MONDO:0004994, HP:0001638. Inheritance: Various modes of inheritance.

Allele frequency attached by ClinVar (database versions not stated): ExAC 0.00003; gnomAD exomes 0.00003 and 0.00002; gnomAD 0.00001; TOPMed 0.00002.
gnomAD v4.1: 43 of 1,613,612 alleles (0.0027%); highest among the groups gnomAD compares: East Asian, 0.0045%; no homozygotes.

Submissions (3):

CHEO Genetics Diagnostic Laboratory, Children's Hospital of Eastern Ontario
Classification: Likely benign for Cardiomyopathy. Last evaluated: 2022-05-12. Review status: criteria provided, single submitter. Criteria: ACMG Guidelines, 2015. Collection method: clinical testing. Allele origin: germline.

GeneDx
Classification: Likely benign. Last evaluated: 2019-04-12. Review status: criteria provided, single submitter. Criteria: GeneDx Variant Classification Process June 2021. Collection method: clinical testing. Allele origin: germline. Affected: yes.
Comment: Has not been previously published as pathogenic or benign to our knowledge

Labcorp Genetics (formerly Invitae), Labcorp
Classification: Uncertain significance for Dilated cardiomyopathy 1G; Autosomal recessive limb-girdle muscular dystrophy type 2J. Last evaluated: 2017-11-07. Review status: criteria provided, single submitter. Criteria: Invitae Variant Classification Sherloc (09022015). Collection method: clinical testing. Allele origin: germline.

NM_001267550.2(TTN):c.17320G>A (p.Asp5774Asn)

Genes: TTN (titin; minus strand), LOC126806431 (CDK7 strongly-dependent group 2 enhancer GRCh37_chr2:179595719-179596918; plus strand). Cytogenetic location: 2q31.2.
Variant type: single nucleotide variant.
Coding change: c.17320G>A on transcript NM_001267550.2 (MANE Select); coding-DNA position 17320, G replaced by A.
Protein change: p.Asp5774Asn; replaces aspartic acid 5774 with asparagine.
Molecular consequence: missense variant. On other transcripts: intron variant (3).
Genome position (GRCh38, 1-based): chr2:178,731,446, C>T on the plus strand (G>A on the coding strand, the complement: TTN is on the minus strand). VCF-style: chr2-178731446-C-T. GRCh37 (hg19) VCF-style: chr2-179596173-C-T.
Other names: c.16369G>A, p.Asp5457Asn (NM_001256850.1); c.13588G>A, p.Asp4530Asn (NM_133378.4); c.13282+6636G>A (NM_003319.4); c.13858+6636G>A (NM_133437.4); c.13657+6636G>A (NM_133432.3); short protein forms D5774N, D5457N, D4530N.
Identifiers: ClinVar variation 466851 (VCV000466851.8), dbSNP rs752660722, ClinGen allele CA2001859.